The following is an entry in ClinVar:

ClinVar aggregate classification (germline): Conflicting classifications of pathogenicity. Review status: criteria provided, conflicting classifications (1 of 4 stars). 2 submissions from 2 submitters: Pathogenic (1); Uncertain significance (1). Last evaluated 2026-02-20.

Conditions:
Hereditary cancer-predisposing syndrome. Also called: Hereditary Cancer Syndrome; Neoplastic Syndromes, Hereditary; Tumor predisposition; Hereditary neoplastic syndrome. Identifiers: Orphanet 140162, MedGen C0027672, MeSH D009386, MONDO:0015356.
Familial melanoma. Also called: Hereditary melanoma; Hereditary cutaneous melanoma. Identifiers: Orphanet 618, MedGen C1512419, MONDO:0018961.

Submissions (2):

Ambry Genetics
Classification: Uncertain significance for Hereditary cancer-predisposing syndrome. Last evaluated: 2026-02-20. Review status: criteria provided, single submitter. Criteria: Ambry Variant Classification Scheme 2023. Collection method: clinical testing. Allele origin: germline.
Comment: The p.E33* variant (also known as c.97G>T), located in coding exon 1 of the CDKN2A (p14ARF) gene, results from a G to T substitution at nucleotide position 97. This changes the amino acid from a glutamic acid to a stop codon within coding exon 1. This variant was reported in individual(s) with features consistent with p14-related melanoma-pancreatic cancer syndrome (Ambry internal data). This alteration is expected to result in loss of function by premature protein truncation or nonsense-mediated mRNA decay. However, loss of function has not been established as a mechanism of disease for the p14 isoform of CDKN2A. Based on the available evidence, the clinical significance of this variant remains unclear.

Labcorp Genetics (formerly Invitae), Labcorp
Classification: Pathogenic for Familial melanoma. Last evaluated: 2021-08-12. Review status: criteria provided, single submitter. Criteria: Invitae Variant Classification Sherloc (09022015). Collection method: clinical testing. Allele origin: germline.

NM_058195.4(CDKN2A):c.97G>T (p.Glu33Ter)

Gene: CDKN2A (cyclin dependent kinase inhibitor 2A; minus strand). Cytogenetic location: 9p21.3.
Variant type: single nucleotide variant.
Coding change: c.97G>T on transcript NM_058195.4 (MANE Plus Clinical); coding-DNA position 97, G replaced by T.
Protein change: p.Glu33Ter; replaces glutamic acid 33 with a stop codon.
Molecular consequence: nonsense. On other transcripts: intron variant (1).
Genome position (GRCh38, 1-based): chr9:21,994,235, C>A on the plus strand (G>T on the coding strand, the complement: CDKN2A is on the minus strand). VCF-style: chr9-21994235-C-A. GRCh37 (hg19) VCF-style: chr9-21994234-C-A.
Other names: c.-4+586G>T (NM_001363763.2); short protein forms E33*.
Identifiers: ClinVar variation 581437 (VCV000581437.6), dbSNP rs1287464120, ClinGen allele CA373086953.